The following is an entry in ClinVar:

NM_012079.6(DGAT1):c.779C>A (p.Thr260Asn)

Gene: DGAT1 (diacylglycerol O-acyltransferase 1; minus strand). Cytogenetic location: 8q24.3.
Variant type: single nucleotide variant.
Coding change: c.779C>A on transcript NM_012079.6 (MANE Select); coding-DNA position 779, C replaced by A.
Protein change: p.Thr260Asn; replaces threonine 260 with asparagine.
Molecular consequence: missense variant.
Genome position (GRCh38, 1-based): chr8:144,317,990, G>T on the plus strand (C>A on the coding strand, the complement: DGAT1 is on the minus strand). VCF-style: chr8-144317990-G-T. GRCh37 (hg19) VCF-style: chr8-145541653-G-T.
Other names: short protein forms T260N.
Identifiers: ClinVar variation 1370134 (VCV001370134.5), dbSNP rs782187728, ClinGen allele CA4936842.

ClinVar aggregate classification (germline): Uncertain significance (1 of 4 stars; one submission).

Allele frequency attached by ClinVar (database versions not stated): ExAC 0.00001; gnomAD 0.00001; gnomAD exomes 0.00001; TOPMed 0.00001.
gnomAD v4.1: 18 of 1,519,646 alleles (0.0012%); highest among the groups gnomAD compares: Non-Finnish European, 0.0015%; no homozygotes.

Submission:

Labcorp Genetics (formerly Invitae), Labcorp
Classification: Uncertain significance. Last evaluated: 2022-07-25. Review status: criteria provided, single submitter. Criteria: Invitae Variant Classification Sherloc (09022015). Collection method: clinical testing. Allele origin: germline.
Comment: This sequence change replaces threonine, which is neutral and polar, with asparagine, which is neutral and polar, at codon 260 of the DGAT1 protein (p.Thr260Asn). This variant is present in population databases (rs782187728, gnomAD 0.001%). This variant has not been reported in the literature in individuals affected with DGAT1-related conditions. ClinVar contains an entry for this variant (Variation ID: 1370134). Algorithms developed to predict the effect of missense changes on protein structure and function (SIFT, PolyPhen-2, Align-GVGD) all suggest that this variant is likely to be disruptive. In summary, the available evidence is currently insufficient to determine the role of this variant in disease. Therefore, it has been classified as a Variant of Uncertain Significance.